The following is an entry in ClinVar:

ClinVar aggregate classification (germline): Uncertain significance (1 of 4 stars; one submission).

Allele frequency attached by ClinVar (database versions not stated): gnomAD exomes 0.00001.

Submission:

Labcorp Genetics (formerly Invitae), Labcorp
Classification: Uncertain significance. Last evaluated: 2023-03-01. Review status: criteria provided, single submitter. Criteria: Invitae Variant Classification Sherloc (09022015). Collection method: clinical testing. Allele origin: germline.
Comment: This sequence change creates a premature translational stop signal (p.Leu384*) in the SARS2 gene. It is expected to result in an absent or disrupted protein product. However, the current clinical and genetic evidence is not sufficient to establish whether loss-of-function variants in SARS2 cause disease. This variant is not present in population databases (gnomAD no frequency). This variant has not been reported in the literature in individuals affected with SARS2-related conditions. In summary, the available evidence is currently insufficient to determine the role of this variant in disease. Therefore, it has been classified as a Variant of Uncertain Significance.

NM_017827.4(SARS2):c.1151T>A (p.Leu384Ter)

Gene: SARS2 (seryl-tRNA synthetase 2, mitochondrial; minus strand). Cytogenetic location: 19q13.2.
Variant type: single nucleotide variant.
Coding change: c.1151T>A on transcript NM_017827.4 (MANE Select); coding-DNA position 1151, T replaced by A.
Protein change: p.Leu384Ter; replaces leucine 384 with a stop codon.
Molecular consequence: nonsense.
Genome position (GRCh38, 1-based): chr19:38,917,733, A>T on the plus strand (T>A on the coding strand, the complement: SARS2 is on the minus strand). VCF-style: chr19-38917733-A-T. GRCh37 (hg19) VCF-style: chr19-39408373-A-T.
Other names: c.1157T>A, p.Leu386Ter (NM_001145901.2); short protein forms L384*, L386*.
Identifiers: ClinVar variation 2991129 (VCV002991129.3), dbSNP rs2513526633, ClinGen allele CA405736042.
Genomic context (GRCh38, chr19:38,917,733, plus strand): 5'-CCTCCCCTACCCCACCCCTGCCATCCCTGGATCCCTGGCCCCTCTCCACACCGGAAGTGC[A>T]AGCCCAGCTCTGTCAAGATCTCCATCTGAAGGGACAGGAACTCCTCCAGCAGCTGTGAGC-3'